The following is an entry in ClinVar:

NM_006662.3(SRCAP):c.4244T>C (p.Met1415Thr)

Gene: SRCAP (Snf2 related CREBBP activator protein; plus strand). Cytogenetic location: 16p11.2.
Variant type: single nucleotide variant.
Coding change: c.4244T>C on transcript NM_006662.3 (MANE Select); coding-DNA position 4244, T replaced by C.
Protein change: p.Met1415Thr; replaces methionine 1415 with threonine.
Molecular consequence: missense variant.
Genome position (GRCh38, 1-based): chr16:30,723,668, T>C. VCF-style: chr16-30723668-T-C. GRCh37 (hg19) VCF-style: chr16-30734989-T-C.
Other names: short protein forms M1415T.
Identifiers: ClinVar variation 4748699 (VCV004748699.1).
Genomic context (GRCh38, chr16:30,723,668, plus strand): 5'-TGACCATCTCTTCTCCTCTCCACGTGCCATCCTCCCTCCCTGGGCCAGCCTCTTCTCCAA[T>C]GCCAATTCCCAACTCCTCTCCCCTTGCTAGTCCTGTGTCCTCTACAGTCTCAGTTCCATT-3'
Protein context (NP_006653.2, residues 1405-1425): SSLPGPASSP[Met1415Thr]PIPNSSPLAS

ClinVar aggregate classification (germline): Uncertain significance (1 of 4 stars; one submission).

Submission:

Labcorp Genetics (formerly Invitae), Labcorp
Classification: Uncertain significance. Last evaluated: 2025-02-09. Review status: criteria provided, single submitter. Criteria: Invitae Variant Classification Sherloc (09022015). Collection method: clinical testing. Allele origin: germline.
Comment: This sequence change replaces methionine, which is neutral and non-polar, with threonine, which is neutral and polar, at codon 1415 of the SRCAP protein (p.Met1415Thr). This variant is present in population databases (rs746462812, gnomAD 0.002%). This variant has not been reported in the literature in individuals affected with SRCAP-related conditions. Invitae Evidence Modeling of protein sequence and biophysical properties (such as structural, functional, and spatial information, amino acid conservation, physicochemical variation, residue mobility, and thermodynamic stability) indicates that this missense variant is not expected to disrupt SRCAP protein function with a negative predictive value of 80%. In summary, the available evidence is currently insufficient to determine the role of this variant in disease. Therefore, it has been classified as a Variant of Uncertain Significance.